The following is an entry in ClinVar:

NM_000093.5(COL5A1):c.949G>A (p.Ala317Thr)

Gene: COL5A1 (collagen type V alpha 1 chain; plus strand). Cytogenetic location: 9q34.3.
Variant type: single nucleotide variant.
Coding change: c.949G>A on transcript NM_000093.5 (MANE Select); coding-DNA position 949, G replaced by A.
Protein change: p.Ala317Thr; replaces alanine 317 with threonine.
Molecular consequence: missense variant.
Genome position (GRCh38, 1-based): chr9:134,730,260, G>A. VCF-style: chr9-134730260-G-A. GRCh37 (hg19) VCF-style: chr9-137622106-G-A.
Other names: c.949G>A, p.Ala317Thr (NM_001278074.1); short protein forms A317T.
Identifiers: ClinVar variation 4796747 (VCV004796747.1).

ClinVar aggregate classification (germline): Likely benign (1 of 4 stars; one submission).

Conditions:
Fibromuscular dysplasia, multifocal. Identifiers: MedGen C5543412, MONDO:0859151, OMIM 619329.

Submission:

Centre for Medical Genetics,  Mumbai
Classification: Likely benign for Fibromuscular dysplasia, multifocal. Last evaluated: 2026-02-24. Review status: criteria provided, single submitter. Criteria: ACMG Guidelines, 2015. Collection method: provider interpretation. Allele origin: germline. Inheritance: Autosomal dominant inheritance. Affected: no. Observed: 1 heterozygote.
Comment: The variant satisfies PM2 criteria; Extremely low frequency in gnomAD population databases. However, the variant satisfies BS2 criteria.

Literature cited by the submitters: PubMed 32938213.